The following is an entry in ClinVar:

NM_020884.7(MYH7B):c.5311A>T (p.Met1771Leu)

Gene: MYH7B (myosin heavy chain 7B; plus strand). Cytogenetic location: 20q11.22.
Variant type: single nucleotide variant.
Coding change: c.5311A>T on transcript NM_020884.7 (MANE Select); coding-DNA position 5311, A replaced by T.
Protein change: p.Met1771Leu; replaces methionine 1771 with leucine.
Molecular consequence: missense variant.
Genome position (GRCh38, 1-based): chr20:35,000,994, A>T. VCF-style: chr20-35000994-A-T. GRCh37 (hg19) VCF-style: chr20-33588797-A-T.
Other names: short protein forms M1771L.
Identifiers: ClinVar variation 3654972 (VCV003654972.2).
Genomic context (GRCh38, chr20:35,000,994, plus strand): 5'-TGCAGAGGGACTTCCCTGAGGCTGGGCACCTGACCAGCTCCTCCTCCCCAACAGGCGGCC[A>T]TGATGGCCGAGGAGCTGAAGAAGGAGCAGGACACAAGTGCACACCTGGAACGGATGAAGA-3'
Protein context (NP_065935.4, residues 1761-1781): KAKKAITDAA[Met1771Leu]MAEELKKEQD

ClinVar aggregate classification (germline): Uncertain significance (1 of 4 stars; one submission).

Submission:

Labcorp Genetics (formerly Invitae), Labcorp
Classification: Uncertain significance. Last evaluated: 2024-05-28. Review status: criteria provided, single submitter. Criteria: Invitae Variant Classification Sherloc (09022015). Collection method: clinical testing. Allele origin: germline.
Comment: This sequence change replaces methionine, which is neutral and non-polar, with leucine, which is neutral and non-polar, at codon 1813 of the MYH7B protein (p.Met1813Leu). This variant is not present in population databases (gnomAD no frequency). This variant has not been reported in the literature in individuals affected with MYH7B-related conditions. Advanced modeling of protein sequence and biophysical properties (such as structural, functional, and spatial information, amino acid conservation, physicochemical variation, residue mobility, and thermodynamic stability) performed at Invitae indicates that this missense variant is not expected to disrupt MYH7B protein function with a negative predictive value of 80%. In summary, the available evidence is currently insufficient to determine the role of this variant in disease. Therefore, it has been classified as a Variant of Uncertain Significance.